The following is an entry in ClinVar:

NM_000492.4(CFTR):c.1111A>G (p.Ile371Val)

Gene: CFTR (CF transmembrane conductance regulator; plus strand). Cytogenetic location: 7q31.2.
Variant type: single nucleotide variant.
Coding change: c.1111A>G on transcript NM_000492.4 (MANE Select); coding-DNA position 1111, A replaced by G.
Protein change: p.Ile371Val; replaces isoleucine 371 with valine.
Molecular consequence: missense variant.
Genome position (GRCh38, 1-based): chr7:117,540,341, A>G. VCF-style: chr7-117540341-A-G. GRCh37 (hg19) VCF-style: chr7-117180395-A-G.
Other names: short protein forms I371V.
Identifiers: ClinVar variation 3266672 (VCV003266672.1).

ClinVar aggregate classification (germline): Uncertain significance (1 of 4 stars; one submission).

Conditions:
Cystic fibrosis (CF). Also called: MUCOVISCIDOSIS. Identifiers: Orphanet 586, MedGen C0010674, MONDO:0009061, OMIM 219700. Disease mechanism: loss of function.

Submission:

Ambry Genetics
Classification: Uncertain significance for Cystic fibrosis. Last evaluated: 2024-05-11. Review status: criteria provided, single submitter. Criteria: Ambry Variant Classification Scheme 2023. Collection method: clinical testing. Allele origin: germline.
Comment: The p.I371V variant (also known as c.1111A>G), located in coding exon 8 of the CFTR gene, results from an A to G substitution at nucleotide position 1111. The isoleucine at codon 371 is replaced by valine, an amino acid with highly similar properties. This amino acid position is conserved. In addition, the in silico prediction for this alteration is inconclusive. Based on the available evidence, the clinical significance of this variant remains unclear.